The following is an entry in ClinVar:

NM_000051.4(ATM):c.8093T>G (p.Leu2698Ter)

Genes: C11orf65 (chromosome 11 open reading frame 65; minus strand), ATM (ATM serine/threonine kinase; plus strand). Cytogenetic location: 11q22.3.
Variant type: single nucleotide variant.
Coding change: c.8093T>G on transcript NM_000051.4 (MANE Select); coding-DNA position 8093, T replaced by G.
Protein change: p.Leu2698Ter; replaces leucine 2698 with a stop codon.
Molecular consequence: nonsense. On other transcripts: intron variant (2).
Genome position (GRCh38, 1-based): chr11:108,335,051, T>G. VCF-style: chr11-108335051-T-G. GRCh37 (hg19) VCF-style: chr11-108205778-T-G.
Other names: c.8093T>G, p.Leu2698Ter (NM_001351834.2); c.641-25980A>C (NM_001330368.2); c.*38+169A>C (NM_001351110.2); short protein forms L2698*.
Identifiers: ClinVar variation 3449845 (VCV003449845.1).
Genomic context (GRCh38, chr11:108,335,051, plus strand): 5'-GAAATCTGGTGACTATACAGTCATTTAAAGCAGAATTTCGCTTAGCAGGAGGTGTAAATT[T>G]ACCAAAAATAATAGATTGTGTAGGTTCCGATGGCAAGGAGAGGAGACAGCTTGTTAAGGT-3'

ClinVar aggregate classification (germline): Pathogenic (1 of 4 stars; one submission).

Conditions:
Hereditary cancer-predisposing syndrome. Also called: Tumor predisposition; Hereditary Cancer Syndrome; Neoplastic Syndromes, Hereditary; Hereditary neoplastic syndrome. Identifiers: Orphanet 140162, MedGen C0027672, MeSH D009386, MONDO:0015356.

Submission:

Ambry Genetics
Classification: Pathogenic for Hereditary cancer-predisposing syndrome. Last evaluated: 2024-07-10. Review status: criteria provided, single submitter. Criteria: Ambry Variant Classification Scheme 2023. Collection method: clinical testing. Allele origin: germline.
Comment: The p.L2698* pathogenic mutation (also known as c.8093T>G), located in coding exon 54 of the ATM gene, results from a T to G substitution at nucleotide position 8093. This changes the amino acid from a leucine to a stop codon within coding exon 54. This variant is considered to be rare based on population cohorts in the Genome Aggregation Database (gnomAD). This alteration is expected to result in loss of function by premature protein truncation or nonsense-mediated mRNA decay. As such, this alteration is interpreted as a disease-causing mutation.